The following is an entry in ClinVar:

NM_000014.6(A2M):c.1644C>T (p.Thr548=)

Genes: A2M (alpha-2-macroglobulin; minus strand), KLRG1 (killer cell lectin like receptor G1; plus strand). Cytogenetic location: 12p13.31.
Variant type: single nucleotide variant.
Coding change: c.1644C>T on transcript NM_000014.6 (MANE Select); coding-DNA position 1644, C replaced by T.
Protein change: p.Thr548=; no amino-acid change (threonine 548 retained).
Molecular consequence: synonymous variant.
Genome position (GRCh38, 1-based): chr12:9,099,438, G>A on the plus strand (C>T on the coding strand, the complement: A2M is on the minus strand). VCF-style: chr12-9099438-G-A. GRCh37 (hg19) VCF-style: chr12-9252034-G-A.
Other names: c.1644C>T, p.Thr548= (NM_001347423.2); c.1344C>T, p.Thr448= (NM_001347424.2); c.1194C>T, p.Thr398= (NM_001347425.2).
Identifiers: ClinVar variation 3057371 (VCV003057371.3), dbSNP rs745823596, ClinGen allele CA232687250.

ClinVar aggregate classification (germline): Likely benign. Review status: criteria provided, single submitter (1 of 4 stars). 2 submissions from 2 submitters: Likely benign (1). 1 of the submissions does not count toward it. Last evaluated 2024-11-07.

Conditions:
A2M-related disorder. Also called: A2M-related condition.

Allele frequency attached by ClinVar (database versions not stated): gnomAD 0.00003; TOPMed 0.00004.
gnomAD v4.1: 39 of 1,597,934 alleles (0.0024%); highest among the groups gnomAD compares: African/African-American, 0.012%; no homozygotes.

Submissions (2):

Blueprint Genetics
Classification: Likely benign. Last evaluated: 2024-11-07. Review status: criteria provided, single submitter. Criteria: ACMG Guidelines, 2015. Collection method: clinical testing. Allele origin: germline.

PreventionGenetics, part of Exact Sciences
Classification: Likely benign for A2M-related condition. Last evaluated: 2019-03-25. Review status: no assertion criteria provided. Collection method: clinical testing. Allele origin: germline. Not counted in ClinVar's aggregate classification.
Comment: This variant is classified as likely benign based on ACMG/AMP sequence variant interpretation guidelines (Richards et al. 2015 PMID: 25741868, with internal and published modifications).